The following is an entry in ClinVar:

NM_006267.5(RANBP2):c.593G>A (p.Arg198His)

Gene: RANBP2 (RAN binding protein 2; plus strand). Cytogenetic location: 2q13.
Variant type: single nucleotide variant.
Coding change: c.593G>A on transcript NM_006267.5 (MANE Select); coding-DNA position 593, G replaced by A.
Protein change: p.Arg198His; replaces arginine 198 with histidine.
Molecular consequence: missense variant.
Genome position (GRCh38, 1-based): chr2:108,735,719, G>A. VCF-style: chr2-108735719-G-A. GRCh37 (hg19) VCF-style: chr2-109352175-G-A.
Other names: short protein forms R198H.
Identifiers: ClinVar variation 842014 (VCV000842014.12), dbSNP rs757718519, ClinGen allele CA1822066.

ClinVar aggregate classification (germline): Conflicting classifications of pathogenicity. Review status: criteria provided, conflicting classifications (1 of 4 stars). 5 submissions from 5 submitters: Uncertain significance (3); Likely benign (2). Last evaluated 2025-06-01.

Conditions:
Familial acute necrotizing encephalopathy (IIAE3). Also called: ENCEPHALOPATHY, ACUTE, INFECTION-INDUCED, SUSCEPTIBILITY TO, 3; Susceptibility to Acute Necrotizing Encephalopathy 1. Identifiers: Orphanet 88619, MedGen C2675556, MONDO:0011953, OMIM 608033.

Allele frequency attached by ClinVar (database versions not stated): gnomAD 0.00001; ExAC 0.00002; TOPMed 0.00002; gnomAD exomes 0.00003 and 0.00004.
gnomAD v4.1: 48 of 1,597,586 alleles (0.003%); highest among the groups gnomAD compares: Middle Eastern, 0.18%; no homozygotes.

Submissions (5):

CeGaT Center for Human Genetics Tuebingen
Classification: Likely benign. Last evaluated: 2025-06-01. Review status: criteria provided, single submitter. Criteria: CeGaT Center For Human Genetics Tuebingen Variant Classification Criteria Version 2. Collection method: clinical testing. Allele origin: germline. Affected: yes. Observed: 1 variant allele.
Comment: RANBP2: BP4

Blueprint Genetics
Classification: Likely benign. Last evaluated: 2024-04-15. Review status: criteria provided, single submitter. Criteria: ACMG Guidelines, 2015. Collection method: clinical testing. Allele origin: germline.

Ambry Genetics
Classification: Uncertain significance. Last evaluated: 2023-12-09. Review status: criteria provided, single submitter. Criteria: Ambry Variant Classification Scheme 2023. Collection method: clinical testing. Allele origin: germline.

Labcorp Genetics (formerly Invitae), Labcorp
Classification: Uncertain significance for Encephalopathy, acute, infection-induced, 3, suceptibility to. Last evaluated: 2019-05-24. Review status: criteria provided, single submitter. Criteria: Invitae Variant Classification Sherloc (09022015). Collection method: clinical testing. Allele origin: germline.
Comment: This sequence change replaces arginine with histidine at codon 198 of the RANBP2 protein (p.Arg198His). The arginine residue is highly conserved and there is a small physicochemical difference between arginine and histidine. The frequency data for this variant in the population databases is considered unreliable, as metrics indicate poor data quality at this position in the ExAC database. This variant has not been reported in the literature in individuals with RANBP2-related disease. Algorithms developed to predict the effect of missense changes on protein structure and function do not agree on the potential impact of this missense change (SIFT: "Deleterious"; PolyPhen-2: "Benign"; Align-GVGD: "Class C25"). In summary, the available evidence is currently insufficient to determine the role of this variant in disease. Therefore, it has been classified as a Variant of Uncertain Significance.

Breakthrough Genomics
Classification: Uncertain significance. Review status: criteria provided, single submitter. Criteria: ACMG Guidelines, 2015. Collection method: not provided. Allele origin: germline. Inheritance: Autosomal dominant inheritance. Affected: yes.